The following is an entry in ClinVar:

ClinVar aggregate classification (germline): Pathogenic (1 of 4 stars; one submission).

Conditions:
Duchenne muscular dystrophy (DMD). Also called: MUSCULAR DYSTROPHY, PSEUDOHYPERTROPHIC PROGRESSIVE, DUCHENNE TYPE; Duchenne Muscular Dystrophy (DMD). Identifiers: Orphanet 98896, MedGen C0013264, MONDO:0010679, OMIM 310200.

Submission:

Labcorp Genetics (formerly Invitae), Labcorp
Classification: Pathogenic for Duchenne muscular dystrophy. Last evaluated: 2020-01-23. Review status: criteria provided, single submitter. Criteria: Invitae Variant Classification Sherloc (09022015). Collection method: clinical testing. Allele origin: germline.
Comment: This sequence change creates a premature translational stop signal (p.Gln1472Lysfs*5) in the DMD gene. It is expected to result in an absent or disrupted protein product. This variant is not present in population databases (ExAC no frequency). This variant has been observed in individual(s) with Duchenne muscular dystrophy (PMID: 16049303). Loss-of-function variants in DMD are known to be pathogenic (PMID: 16770791, 25007885). For these reasons, this variant has been classified as Pathogenic.

Literature cited by the submitters: PubMed 16049303; PubMed 16770791; PubMed 25007885.

NM_004006.3(DMD):c.4414del (p.Gln1472fs)

Gene: DMD (dystrophin; minus strand). Cytogenetic location: Xp21.1.
Variant type: Deletion.
Coding change: c.4414del on transcript NM_004006.3 (MANE Select); coding-DNA position 4414, one base deleted (C; older notation c.4414delC).
Protein change: p.Gln1472fs; shifts the reading frame from glutamine 1472.
Molecular consequence: frameshift variant.
Genome position (GRCh38, 1-based): chrX:32,389,605, G deleted on the plus strand (C on the coding strand, the reverse complement: DMD is on the minus strand). VCF-style (leftmost placement, unchanged base first): chrX-32389604-TG-T. GRCh37 (hg19) VCF-style: chrX-32407721-TG-T.
Other names: c.4390del, p.Gln1464fs (NM_000109.4); c.4402del, p.Gln1468fs (NM_004009.3); c.4045del, p.Gln1349fs (NM_004010.3); c.391del, p.Gln131fs (NM_004011.4); c.382del, p.Gln128fs (NM_004012.4); short protein forms Q128fs, Q131fs, Q1349fs, Q1464fs, Q1468fs, Q1472fs.
Identifiers: ClinVar variation 1076514 (VCV001076514.10), dbSNP rs2147612526, ClinGen allele CA2499226647.